The following is an entry in ClinVar:

NM_000329.3(RPE65):c.471del (p.Glu158fs)

Gene: RPE65 (retinoid isomerohydrolase RPE65; minus strand). Cytogenetic location: 1p31.3.
Variant type: Deletion.
Coding change: c.471del on transcript NM_000329.3 (MANE Select); coding-DNA position 471, one base deleted (A; older notation c.471delA).
Protein change: p.Glu158fs; shifts the reading frame from glutamic acid 158.
Molecular consequence: frameshift variant.
Genome position (GRCh38, 1-based): chr1:68,444,555, T deleted on the plus strand (A on the coding strand, the reverse complement: RPE65 is on the minus strand). VCF-style (leftmost placement, unchanged base first): chr1-68444554-CT-C. GRCh37 (hg19) VCF-style: chr1-68910237-CT-C.
Other names: c.363del, p.Glu122fs (NM_001406853.1); c.195del, p.Glu66fs (NM_001406856.1, NM_001406857.1); c.471del, p.Glu158fs (NM_001406859.1, NM_001406860.1); short protein forms E122fs, E158fs, E66fs.
Identifiers: ClinVar variation 5013773 (VCV005013773.1).
Genomic context (GRCh38, chr1:68,444,554, plus strand): 5'-TCTAAATTCCTGAACATCACCTAGCACTGTGTCCCACCTGCTTAATTGTCTCCAAGGTCT[CT>C]GGATTAATCTTTGTAATAAAGTTGGTCTCTGTGCAAGCGTAGTAATCTTCCCCCACTGGG-3'

ClinVar aggregate classification (germline): Pathogenic (1 of 4 stars; one submission).

Conditions:
RPE65-related recessive retinopathy. Also called: Recessive RPE65 retinopathy. Identifiers: MedGen CN305526, MONDO:0100368.

Submission:

Myriad Genetics, Inc.
Classification: Pathogenic for RPE65-related recessive retinopathy. Last evaluated: 2024-11-20. Review status: criteria provided, single submitter. Criteria: Myriad Autosomal Dominant, Autosomal Recessive and X-Linked Classification Criteria (2023). Collection method: clinical testing. Allele origin: unknown.
Comment: NM_000329.2(RPE65):c.471delA(E158Rfs*50) is expected to be pathogenic in the context of inherited retinal dystrophy, RPE65-related. This variant is predicted to lead to an abnormal or absent protein product due to the creation of a premature termination codon in RPE65, a gene where loss-of-function variants are known to be pathogenic. Please note: this variant was assessed in the context of healthy population screening.